The following is an entry in ClinVar:

NM_001077365.2(POMT1):c.-20T>C

Gene: POMT1 (protein O-mannosyltransferase 1; plus strand). Cytogenetic location: 9q34.13.
Variant type: single nucleotide variant.
Coding change: c.-20T>C on transcript NM_001077365.2 (MANE Select); 20 bases upstream of the start codon, T replaced by C.
Molecular consequence: 5 prime UTR variant. On other transcripts: non-coding transcript variant (4), intron variant (9).
Genome position (GRCh38, 1-based): chr9:131,504,199, T>C. VCF-style: chr9-131504199-T-C. GRCh37 (hg19) VCF-style: chr9-134379586-T-C.
Other names: c.-20T>C (NM_001136113.2, NM_001353193.2, NM_001353196.2 and 2 more transcripts); c.-264T>C (NM_001353195.2); c.-491T>C (NM_001353198.2); c.-213T>C (NM_001374692.1); c.-171T>C (NM_001374695.1); c.-41+886T>C (NM_001353194.2); c.-72+886T>C (NM_001374691.1); c.-41+1126T>C (NM_001374689.1, NM_001353197.2, NM_001077366.2 and 1 more transcripts); and 2 more.
Identifiers: ClinVar variation 260137 (VCV000260137.2), dbSNP rs201733950, ClinGen allele CA5293122.

ClinVar aggregate classification (germline): Likely benign. Review status: criteria provided, multiple submitters, no conflicts (2 of 4 stars). 2 submissions from 2 submitters: Likely benign (2). Last evaluated 2017-07-20.

Allele frequency attached by ClinVar (database versions not stated): gnomAD exomes 0.00020 and 0.00051; ExAC 0.00068; gnomAD 0.00202 and 0.00222; ESP Exome Variant Server 0.00215; 1000 Genomes Project 0.00220; TOPMed 0.00245; 1000 Genomes Project 30x 0.00281.
gnomAD v4.1: 615 of 1,614,056 alleles (0.038%); highest among the groups gnomAD compares: African/African-American, 0.72%; 3 homozygotes.

Submissions (2):

GeneDx
Classification: Likely benign. Last evaluated: 2017-07-20. Review status: criteria provided, single submitter. Criteria: GeneDx Variant Classification (06012015). Collection method: clinical testing. Allele origin: germline. Affected: yes.
Comment: This variant is considered likely benign or benign based on one or more of the following criteria: it is a conservative change, it occurs at a poorly conserved position in the protein, it is predicted to be benign by multiple in silico algorithms, and/or has population frequency not consistent with disease.

PreventionGenetics, part of Exact Sciences
Classification: Likely benign. Review status: criteria provided, single submitter. Criteria: ACMG Guidelines, 2015. Collection method: clinical testing. Allele origin: germline.